The following is an entry in ClinVar:

ClinVar aggregate classification (germline): Benign/Likely benign. Review status: criteria provided, multiple submitters, no conflicts (2 of 4 stars). 3 submissions from 3 submitters: Benign (1); Likely benign (2). Last evaluated 2025-02-11.

Conditions:
Prostate cancer, hereditary, 9 (HPC9). Identifiers: Orphanet 1331, MedGen C1970250, MONDO:0012597, OMIM 610997.
Hereditary cancer-predisposing syndrome. Also called: Hereditary neoplastic syndrome; Tumor predisposition; Neoplastic Syndromes, Hereditary; Hereditary Cancer Syndrome. Identifiers: Orphanet 140162, MedGen C0027672, MeSH D009386, MONDO:0015356.

Allele frequency attached by ClinVar (database versions not stated): gnomAD 0.00001.

Submissions (3):

Labcorp Genetics (formerly Invitae), Labcorp
Classification: Likely benign. Last evaluated: 2025-02-11. Review status: criteria provided, single submitter. Criteria: Invitae Variant Classification Sherloc (09022015). Collection method: clinical testing. Allele origin: germline.

Myriad Genetics, Inc.
Classification: Benign for Prostate cancer, hereditary, 9. Last evaluated: 2024-10-28. Review status: criteria provided, single submitter. Criteria: Myriad Autosomal Dominant, Autosomal Recessive and X-Linked Classification Criteria (2023). Collection method: clinical testing. Allele origin: unknown.
Comment: This variant is considered benign. This variant is a silent/synonymous amino acid change and it is not expected to impact splicing.

Ambry Genetics
Classification: Likely benign for Hereditary cancer-predisposing syndrome. Last evaluated: 2017-10-31. Review status: criteria provided, single submitter. Criteria: Ambry Variant Classification Scheme 2023. Collection method: clinical testing. Allele origin: germline.

NM_006361.6(HOXB13):c.73C>A (p.Arg25=)

Gene: HOXB13 (homeobox B13; minus strand). Cytogenetic location: 17q21.32.
Variant type: single nucleotide variant.
Coding change: c.73C>A on transcript NM_006361.6 (MANE Select); coding-DNA position 73, C replaced by A.
Protein change: p.Arg25=; no amino-acid change (arginine 25 retained).
Molecular consequence: synonymous variant.
Genome position (GRCh38, 1-based): chr17:48,728,521, G>T on the plus strand (C>A on the coding strand, the complement: HOXB13 is on the minus strand). VCF-style: chr17-48728521-G-T. GRCh37 (hg19) VCF-style: chr17-46805883-G-T.
Identifiers: ClinVar variation 1549077 (VCV001549077.11), dbSNP rs1597935204, ClinGen allele CA500503053.